The following is an entry in ClinVar:

NM_006648.4(WNK2):c.1874A>G (p.Tyr625Cys)

Gene: WNK2 (WNK lysine deficient protein kinase 2; plus strand). Cytogenetic location: 9q22.31.
Variant type: single nucleotide variant.
Coding change: c.1874A>G on transcript NM_006648.4 (MANE Select); coding-DNA position 1874, A replaced by G.
Protein change: p.Tyr625Cys; replaces tyrosine 625 with cysteine.
Molecular consequence: missense variant.
Genome position (GRCh38, 1-based): chr9:93,252,922, A>G. VCF-style: chr9-93252922-A-G. GRCh37 (hg19) VCF-style: chr9-96015204-A-G.
Other names: c.1874A>G, p.Tyr625Cys (NM_001282394.3); short protein forms Y625C.
Identifiers: ClinVar variation 3981797 (VCV003981797.1).

ClinVar aggregate classification (germline): Uncertain significance (1 of 4 stars; one submission).

gnomAD v4.1: 1 of 1,570,100 alleles (0.000064%); highest among the groups gnomAD compares: South Asian, 0.0012%; no homozygotes.

Submission:

Ambry Genetics
Classification: Uncertain significance. Last evaluated: 2025-04-04. Review status: criteria provided, single submitter. Criteria: Ambry Variant Classification Scheme 2023. Collection method: clinical testing. Allele origin: germline.
Comment: The p.Y625C variant (also known as c.1874A>G), located in coding exon 8 of the WNK2 gene, results from an A to G substitution at nucleotide position 1874. The tyrosine at codon 625 is replaced by cysteine, an amino acid with highly dissimilar properties. This amino acid position is conserved. In addition, the in silico prediction for this alteration is inconclusive. Based on the available evidence, the clinical significance of this variant remains unclear.